The following is an entry in ClinVar:

NM_000492.4(CFTR):c.2512G>A (p.Glu838Lys)

Gene: CFTR (CF transmembrane conductance regulator; plus strand). Cytogenetic location: 7q31.2.
Variant type: single nucleotide variant.
Coding change: c.2512G>A on transcript NM_000492.4 (MANE Select); coding-DNA position 2512, G replaced by A.
Protein change: p.Glu838Lys; replaces glutamic acid 838 with lysine.
Molecular consequence: missense variant.
Genome position (GRCh38, 1-based): chr7:117,594,951, G>A. VCF-style: chr7-117594951-G-A. GRCh37 (hg19) VCF-style: chr7-117235005-G-A.
Other names: short protein forms E838K.
Identifiers: ClinVar variation 4227413 (VCV004227413.1).

ClinVar aggregate classification (germline): Uncertain significance (1 of 4 stars; one submission).

Conditions:
Cystic fibrosis (CF). Also called: MUCOVISCIDOSIS. Identifiers: Orphanet 586, MedGen C0010674, MONDO:0009061, OMIM 219700. Disease mechanism: loss of function.

Submission:

Ambry Genetics
Classification: Uncertain significance for Cystic fibrosis. Last evaluated: 2025-07-18. Review status: criteria provided, single submitter. Criteria: Ambry Variant Classification Scheme 2023. Collection method: clinical testing. Allele origin: germline.
Comment: The p.E838K variant (also known as c.2512G>A), located in coding exon 15 of the CFTR gene, results from a G to A substitution at nucleotide position 2512. The glutamic acid at codon 838 is replaced by lysine, an amino acid with similar properties. This amino acid position is conserved. In addition, the in silico prediction for this alteration is inconclusive. Based on the available evidence, the clinical significance of this variant remains unclear.